The following is an entry in ClinVar:

NM_023007.3(JMJD4):c.523C>T (p.Arg175Cys)

Genes: JMJD4 (jumonji domain containing 4; minus strand), SNAP47 (synaptosome associated protein 47; plus strand). Cytogenetic location: 1q42.13.
Variant type: single nucleotide variant.
Coding change: c.523C>T on transcript NM_023007.3 (MANE Select); coding-DNA position 523, C replaced by T.
Protein change: p.Arg175Cys; replaces arginine 175 with cysteine.
Molecular consequence: missense variant. On other transcripts: intron variant (3).
Genome position (GRCh38, 1-based): chr1:227,733,938, G>A on the plus strand (C>T on the coding strand, the complement: JMJD4 is on the minus strand). VCF-style: chr1-227733938-G-A. GRCh37 (hg19) VCF-style: chr1-227921639-G-A.
Other names: c.-46+2191G>A (NM_001323933.2, NM_001323932.2); c.-46+5152G>A (NM_001323930.2); c.523C>T, p.Arg175Cys (NM_001161465.2); short protein forms R175C.
Identifiers: ClinVar variation 4813094 (VCV004813094.1).
Genomic context (GRCh38, chr1:227,733,938, plus strand): 5'-GGGTTCCACTCCCACATCCGTGGCCTCACCAGCTGCCCGCAGGCCCCGCGTAGACAAAGC[G>A]GTAGTCATCCACATCCAGTGCATCCCAGAACTCATTCAGCCAGTCGGACGAGAAGTACAC-3'
Protein context (NP_075383.3, residues 165-185): FWDALDVDDY[Arg175Cys]FVYAGPAGSW

ClinVar aggregate classification (germline): Uncertain significance (1 of 4 stars; one submission).

Conditions:
Congenital portosystemic shunt. Identifiers: Orphanet 480531, MedGen C1290495, MONDO:0018811.

gnomAD v4.1: 16 of 1,613,786 alleles (0.00099%); highest among the groups gnomAD compares: East Asian, 0.0089%; no homozygotes.

Submission:

Department of Pediatrics, Graduate School of Medical Sciences, Kyushu University
Classification: Uncertain significance for Congenital portosystemic shunt. Last evaluated: 2026-02-27. Review status: criteria provided, single submitter. Criteria: ACMG Guidelines, 2015. Collection method: research. Allele origin: germline. Affected: yes.
Comment: Both variants are rare or absent in population databases such as gnomAD, and in silico prediction tools including CADD suggest potential deleterious effects. However, the relationship between this gene and CPSS has not been established. Therefore, the clinical significance of this variant is currently classified as a variant of uncertain significance (VUS).